The following is an entry in ClinVar:

NM_001371986.1(UNC80):c.4481-5T>C

Gene: UNC80 (unc-80 subunit of NALCN channel complex; plus strand). Cytogenetic location: 2q34.
Variant type: single nucleotide variant.
Coding change: c.4481-5T>C on transcript NM_001371986.1 (MANE Select); 5 bases into the intron before coding-DNA position 4481, T replaced by C.
Molecular consequence: intron variant.
Genome position (GRCh38, 1-based): chr2:209,896,308, T>C. VCF-style: chr2-209896308-T-C. GRCh37 (hg19) VCF-style: chr2-210761032-T-C.
Other names: c.4283-5T>C (NM_032504.2); c.4268-5T>C (NM_182587.4).
Identifiers: ClinVar variation 736041 (VCV000736041.12), dbSNP rs113865560, ClinGen allele CA2083196.

ClinVar aggregate classification (germline): Benign. Review status: criteria provided, single submitter (1 of 4 stars). 2 submissions from 2 submitters: Benign (1). 1 of the submissions does not count toward it. Last evaluated 2026-01-28.

Conditions:
UNC80-related disorder. Also called: UNC80-related condition.

Allele frequency attached by ClinVar (database versions not stated): gnomAD exomes 0.00017 and 0.00033; ExAC 0.00068; ESP Exome Variant Server 0.00153; gnomAD 0.00164 and 0.00175; TOPMed 0.00193; 1000 Genomes Project 0.00220; 1000 Genomes Project 30x 0.00234.
gnomAD v4.1: 494 of 1,551,402 alleles (0.032%); highest among the groups gnomAD compares: African/African-American, 0.62%; 2 homozygotes.

Submissions (2):

Labcorp Genetics (formerly Invitae), Labcorp
Classification: Benign. Last evaluated: 2026-01-28. Review status: criteria provided, single submitter. Criteria: Invitae Variant Classification Sherloc (09022015). Collection method: clinical testing. Allele origin: germline.

PreventionGenetics, part of Exact Sciences
Classification: Likely benign for UNC80-related condition. Last evaluated: 2021-10-05. Review status: no assertion criteria provided. Collection method: clinical testing. Allele origin: germline. Not counted in ClinVar's aggregate classification.
Comment: This variant is classified as likely benign based on ACMG/AMP sequence variant interpretation guidelines (Richards et al. 2015 PMID: 25741868, with internal and published modifications).